The following is an entry in ClinVar:

NM_001184.4(ATR):c.1272T>A (p.Ser424Arg)

Gene: ATR (ATR checkpoint kinase; minus strand). Cytogenetic location: 3q23.
Variant type: single nucleotide variant.
Coding change: c.1272T>A on transcript NM_001184.4 (MANE Select); coding-DNA position 1272, T replaced by A.
Protein change: p.Ser424Arg; replaces serine 424 with arginine.
Molecular consequence: missense variant.
Genome position (GRCh38, 1-based): chr3:142,561,320, A>T on the plus strand (T>A on the coding strand, the complement: ATR is on the minus strand). VCF-style: chr3-142561320-A-T. GRCh37 (hg19) VCF-style: chr3-142280162-A-T.
Other names: c.1272T>A, p.Ser424Arg (NM_001354579.2); short protein forms S424R.
Identifiers: ClinVar variation 2624933 (VCV002624933.2), dbSNP rs2473421531, ClinGen allele CA354823270.

ClinVar aggregate classification (germline): Uncertain significance (1 of 4 stars; one submission).

Conditions:
Inborn genetic diseases. Identifiers: MedGen C0950123, MeSH D030342.

Submission:

Ambry Genetics
Classification: Uncertain significance for Inborn genetic diseases. Last evaluated: 2023-07-27. Review status: criteria provided, single submitter. Criteria: Ambry Variant Classification Scheme 2023. Collection method: clinical testing. Allele origin: germline.
Comment: The p.S424R variant (also known as c.1272T>A), located in coding exon 5 of the ATR gene, results from a T to A substitution at nucleotide position 1272. The serine at codon 424 is replaced by arginine, an amino acid with dissimilar properties. This amino acid position is conserved. In addition, this alteration is predicted to be tolerated by in silico analysis. Since supporting evidence is limited at this time, the clinical significance of this alteration remains unclear.